The following is an entry in ClinVar:

ClinVar aggregate classification (germline): Uncertain significance (1 of 4 stars; one submission).

Conditions:
Cardiovascular phenotype. Identifiers: MedGen CN230736.

Submission:

Molecular Diagnostic Laboratory for Inherited Cardiovascular Disease, Montreal Heart Institute
Classification: Uncertain significance for Cardiovascular phenotype. Last evaluated: 2025-04-09. Review status: criteria provided, single submitter. Criteria: ACMG Guidelines, 2015. Collection method: clinical testing. Allele origin: germline. Affected: yes.
Comment: PM2

NM_020745.4(AARS2):c.258T>A (p.Phe86Leu)

Gene: AARS2 (alanyl-tRNA synthetase 2, mitochondrial; minus strand). Cytogenetic location: 6p21.1.
Variant type: single nucleotide variant.
Coding change: c.258T>A on transcript NM_020745.4 (MANE Select); coding-DNA position 258, T replaced by A.
Protein change: p.Phe86Leu; replaces phenylalanine 86 with leucine.
Molecular consequence: missense variant.
Genome position (GRCh38, 1-based): chr6:44,312,249, A>T on the plus strand (T>A on the coding strand, the complement: AARS2 is on the minus strand). VCF-style: chr6-44312249-A-T. GRCh37 (hg19) VCF-style: chr6-44279986-A-T.
Other names: short protein forms F86L.
Identifiers: ClinVar variation 3895397 (VCV003895397.1).